The following is an entry in ClinVar:

ClinVar aggregate classification (germline): Uncertain significance. Review status: criteria provided, multiple submitters, no conflicts (2 of 4 stars). 2 submissions from 2 submitters: Uncertain significance (2). Last evaluated 2023-09-18.

Conditions:
ANXA11-related disorder. Also called: ANXA11-related condition.

Allele frequency attached by ClinVar (database versions not stated): ExAC 0.00001; gnomAD 0.00001; TOPMed 0.00001.

Submissions (2):

PreventionGenetics, part of Exact Sciences
Classification: Uncertain significance for ANXA11-related condition. Last evaluated: 2023-09-18. Review status: criteria provided, single submitter. Criteria: ACMG Guidelines, 2015. Collection method: clinical testing. Allele origin: germline.
Comment: The ANXA11 c.1111C>T variant is predicted to result in the amino acid substitution p.Arg371Cys. To our knowledge, this variant has not been reported in the literature. This variant is reported in 0.00078% of alleles in individuals of European (Non-Finnish) descent in gnomAD. At this time, the clinical significance of this variant is uncertain due to the absence of conclusive functional and genetic evidence.

Labcorp Genetics (formerly Invitae), Labcorp
Classification: Uncertain significance. Last evaluated: 2023-08-28. Review status: criteria provided, single submitter. Criteria: Invitae Variant Classification Sherloc (09022015). Collection method: clinical testing. Allele origin: germline.
Comment: The frequency data for this variant in the population databases is considered unreliable, as metrics indicate poor data quality at this position in the gnomAD database. This sequence change replaces arginine, which is basic and polar, with cysteine, which is neutral and slightly polar, at codon 371 of the ANXA11 protein (p.Arg371Cys). This variant has not been reported in the literature in individuals affected with ANXA11-related conditions. In summary, the available evidence is currently insufficient to determine the role of this variant in disease. Therefore, it has been classified as a Variant of Uncertain Significance. An algorithm developed to predict the effect of missense changes on protein structure and function (PolyPhen-2) suggests that this variant is likely to be disruptive. ClinVar contains an entry for this variant (Variation ID: 1970974).

NM_145868.2(ANXA11):c.1111C>T (p.Arg371Cys)

Gene: ANXA11 (annexin A11; minus strand). Cytogenetic location: 10q22.3.
Variant type: single nucleotide variant.
Coding change: c.1111C>T on transcript NM_145868.2 (MANE Select); coding-DNA position 1111, C replaced by T.
Protein change: p.Arg371Cys; replaces arginine 371 with cysteine.
Molecular consequence: missense variant.
Genome position (GRCh38, 1-based): chr10:80,162,004, G>A on the plus strand (C>T on the coding strand, the complement: ANXA11 is on the minus strand). VCF-style: chr10-80162004-G-A. GRCh37 (hg19) VCF-style: chr10-81921760-G-A.
Other names: c.1111C>T, p.Arg371Cys (NM_001157.3, NM_001278407.2, NM_001278408.2 and 1 more transcripts); c.1012C>T, p.Arg338Cys (NM_001278409.2); c.1111C>T (NM_145869.1); short protein forms R338C, R371C.
Identifiers: ClinVar variation 1970974 (VCV001970974.6), dbSNP rs757513641, ClinGen allele CA5575914.
Genomic context (GRCh38, chr10:80,162,004, plus strand): 5'-GGTGGGCCCGGCTCCGGGAGCACAGAACCGCATTGAACTTGGACTCGTCTGTTCCCAGGC[G>A]GTTCTCCCCGGCCGCATACAGCTCCTGGAGAGAGAGGAAGACGCACATGTGGCACAGGCC-3'
Protein context (NP_665875.1, residues 361-381): AQELYAAGEN[Arg371Cys]LGTDESKFNA